The following is an entry in ClinVar:

ClinVar aggregate classification (germline): Uncertain significance (1 of 4 stars; one submission).

Submission:

Dasa
Classification: Uncertain significance. Last evaluated: 2025-01-31. Review status: criteria provided, single submitter. Criteria: DASA Assertion Criteria. Collection method: clinical testing. Allele origin: germline.
Comment: NM_001378964.1(CDON):c.23T>C (p.Leu8Ser) is a missense variant that results in the substitution of leucine with serine. This variant is absent from population databases. The currently available literature and clinical evidence are not sufficient to establish a definitive association between this variant and the reported condition. Therefore, this variant is classified as a variant of uncertain significance.

NM_001378964.1(CDON):c.23T>C (p.Leu8Ser)

Gene: CDON (cell adhesion associated, oncogene regulated; minus strand). Cytogenetic location: 11q24.2.
Variant type: single nucleotide variant.
Coding change: c.23T>C on transcript NM_001378964.1 (MANE Select); coding-DNA position 23, T replaced by C.
Protein change: p.Leu8Ser; replaces leucine 8 with serine.
Molecular consequence: missense variant.
Genome position (GRCh38, 1-based): chr11:126,023,454, A>G on the plus strand (T>C on the coding strand, the complement: CDON is on the minus strand). VCF-style: chr11-126023454-A-G. GRCh37 (hg19) VCF-style: chr11-125893349-A-G.
Other names: c.23T>C, p.Leu8Ser (NM_001243597.3, NM_001441161.1, NM_001441162.1 and 5 more transcripts); short protein forms L8S.
Identifiers: ClinVar variation 4882628 (VCV004882628.2).